The following is an entry in ClinVar:

NM_001377458.1(CLCC1):c.334G>A (p.Gly112Arg)

Gene: CLCC1 (chloride channel CLIC like 1; minus strand). Cytogenetic location: 1p13.3.
Variant type: single nucleotide variant.
Coding change: c.334G>A on transcript NM_001377458.1 (MANE Select); coding-DNA position 334, G replaced by A.
Protein change: p.Gly112Arg; replaces glycine 112 with arginine.
Molecular consequence: missense variant. On other transcripts: 5 prime UTR variant (1), non-coding transcript variant (1).
Genome position (GRCh38, 1-based): chr1:108,947,616, C>T on the plus strand (G>A on the coding strand, the complement: CLCC1 is on the minus strand). VCF-style: chr1-108947616-C-T. GRCh37 (hg19) VCF-style: chr1-109490238-C-T.
Other names: c.334G>A, p.Gly112Arg (NM_001377461.1, NM_001377462.1, NM_001377463.1 and 11 more transcripts); c.232G>A, p.Gly78Arg (NM_001377469.1); c.-129G>A (NM_001377470.1); c.334G>A (NM_001048210.1); short protein forms G112R, G78R.
Identifiers: ClinVar variation 1449377 (VCV001449377.7), dbSNP rs749320546, ClinGen allele CA983628.

ClinVar aggregate classification (germline): Uncertain significance. Review status: criteria provided, multiple submitters, no conflicts (2 of 4 stars). 2 submissions from 2 submitters: Uncertain significance (2). Last evaluated 2025-08-12.

Allele frequency attached by ClinVar (database versions not stated): gnomAD exomes below 0.00001; ExAC 0.00001; TOPMed 0.00001.
gnomAD v4.1: 1 of 1,596,470 alleles (0.000063%); highest among the groups gnomAD compares: Non-Finnish European, 0.000086%; no homozygotes.

Submissions (2):

Ambry Genetics
Classification: Uncertain significance. Last evaluated: 2025-08-12. Review status: criteria provided, single submitter. Criteria: Ambry Variant Classification Scheme 2023. Collection method: clinical testing. Allele origin: germline.

Labcorp Genetics (formerly Invitae), Labcorp
Classification: Uncertain significance. Last evaluated: 2021-07-27. Review status: criteria provided, single submitter. Criteria: Invitae Variant Classification Sherloc (09022015). Collection method: clinical testing. Allele origin: germline.
Comment: This variant has not been reported in the literature in individuals affected with CLCC1-related conditions. This sequence change replaces glycine with arginine at codon 112 of the CLCC1 protein (p.Gly112Arg). The glycine residue is highly conserved and there is a moderate physicochemical difference between glycine and arginine. This variant is present in population databases (rs749320546, ExAC 0.002%). Algorithms developed to predict the effect of missense changes on protein structure and function are either unavailable or do not agree on the potential impact of this missense change (SIFT: "Deleterious"; PolyPhen-2: "Probably Damaging"; Align-GVGD: "Class C0"). In summary, the available evidence is currently insufficient to determine the role of this variant in disease. Therefore, it has been classified as a Variant of Uncertain Significance.